The following is an entry in ClinVar:

NM_005560.6(LAMA5):c.9696C>T (p.Pro3232=)

Gene: LAMA5 (laminin subunit alpha 5; minus strand). Cytogenetic location: 20q13.33.
Variant type: single nucleotide variant.
Coding change: c.9696C>T on transcript NM_005560.6 (MANE Select); coding-DNA position 9696, C replaced by T.
Protein change: p.Pro3232=; no amino-acid change (proline 3232 retained).
Molecular consequence: synonymous variant.
Genome position (GRCh38, 1-based): chr20:62,311,724, G>A on the plus strand (C>T on the coding strand, the complement: LAMA5 is on the minus strand). VCF-style: chr20-62311724-G-A. GRCh37 (hg19) VCF-style: chr20-60886780-G-A.
Other names: c.9696C>T (NM_005560.4).
Identifiers: ClinVar variation 2178992 (VCV002178992.6), dbSNP rs577468888, ClinGen allele CA9940094.
Genomic context (GRCh38, chr20:62,311,724, plus strand): 5'-AGACTCAGGCAGGCCTCCCAGGAGGAGCCTCGGGGGCCCCTCAGGCTGCGGCTGGAGCTC[G>A]GGGGGTGGTCCCCGGTGGGGCTTCATCTGCTGGAGCTGGTCATCGACATACAGCCAGACT-3'
Protein context (NP_005551.3, residues 3222-3242): QQMKPHRGPP[Pro3232=]ELQPQPEGPP

ClinVar aggregate classification (germline): Benign. Review status: criteria provided, single submitter (1 of 4 stars). 2 submissions from 2 submitters: Benign (1). 1 of the submissions does not count toward it. Last evaluated 2022-08-25.

Conditions:
LAMA5-related disorder. Also called: LAMA5-related condition; LAMA5-Related Disorders.

Allele frequency attached by ClinVar (database versions not stated): TOPMed 0.00007; gnomAD 0.00013; 1000 Genomes Project 30x 0.00094; 1000 Genomes Project 0.00100; ExAC 0.00157.
gnomAD v4.1: 307 of 1,561,748 alleles (0.02%); highest among the groups gnomAD compares: South Asian, 0.33%; 3 homozygotes.

Submissions (2):

Labcorp Genetics (formerly Invitae), Labcorp
Classification: Benign. Last evaluated: 2022-08-25. Review status: criteria provided, single submitter. Criteria: Invitae Variant Classification Sherloc (09022015). Collection method: clinical testing. Allele origin: germline.

PreventionGenetics, part of Exact Sciences
Classification: Likely benign for LAMA5-related condition. Last evaluated: 2022-11-29. Review status: no assertion criteria provided. Collection method: clinical testing. Allele origin: germline. Not counted in ClinVar's aggregate classification.
Comment: This variant is classified as likely benign based on ACMG/AMP sequence variant interpretation guidelines (Richards et al. 2015 PMID: 25741868, with internal and published modifications).